The following is an entry in ClinVar:

NM_002633.3(PGM1):c.975G>T (p.Gln325His)

Gene: PGM1 (phosphoglucomutase 1; plus strand). Cytogenetic location: 1p31.3.
Variant type: single nucleotide variant.
Coding change: c.975G>T on transcript NM_002633.3 (MANE Select); coding-DNA position 975, G replaced by T.
Protein change: p.Gln325His; replaces glutamine 325 with histidine.
Molecular consequence: missense variant.
Genome position (GRCh38, 1-based): chr1:63,636,335, G>T. VCF-style: chr1-63636335-G-T. GRCh37 (hg19) VCF-style: chr1-64102006-G-T.
Other names: p.Gln325His; c.1029G>T, p.Gln343His (NM_001172818.1); c.384G>T, p.Gln128His (NM_001172819.2); short protein forms Q128H, Q325H, Q343H.
Identifiers: ClinVar variation 966912 (VCV000966912.11), dbSNP rs574355735, ClinGen allele CA889672.

ClinVar aggregate classification (germline): Uncertain significance. Review status: criteria provided, multiple submitters, no conflicts (2 of 4 stars). 4 submissions from 4 submitters: Uncertain significance (4). Last evaluated 2025-08-01.

Conditions:
PGM1-congenital disorder of glycosylation. Also called: PHOSPHOGLUCOMUTASE 1 DEFICIENCY; PGM1 DEFICIENCY; GLYCOGEN STORAGE DISEASE XIV; Congenital disorder of glycosylation type 1t; GSD XIV; CDG It. Identifiers: Orphanet 319646, MedGen C2752015, MONDO:0013968, OMIM 614921.
Inborn genetic diseases. Identifiers: MedGen C0950123, MeSH D030342.

Allele frequency attached by ClinVar (database versions not stated): ExAC 0.00002; gnomAD exomes 0.00002 and 0.00004; TOPMed 0.00003; gnomAD 0.00006.
gnomAD v4.1: 70 of 1,614,054 alleles (0.0043%); highest among the groups gnomAD compares: Non-Finnish European, 0.0056%; no homozygotes.

Submissions (4):

Ambry Genetics
Classification: Uncertain significance for Inborn genetic diseases. Last evaluated: 2025-08-01. Review status: criteria provided, single submitter. Criteria: Ambry Variant Classification Scheme 2023. Collection method: clinical testing. Allele origin: germline.

Blueprint Genetics
Classification: Uncertain significance. Last evaluated: 2024-01-12. Review status: criteria provided, single submitter. Criteria: ACMG Guidelines, 2015. Collection method: clinical testing. Allele origin: germline.

Mayo Clinic Laboratories, Mayo Clinic
Classification: Uncertain significance. Last evaluated: 2023-10-09. Review status: criteria provided, single submitter. Criteria: ACMG Guidelines, 2015. Collection method: clinical testing. Allele origin: germline. Observed: 1 variant allele.
Comment: BP4, PM2_moderate

Labcorp Genetics (formerly Invitae), Labcorp
Classification: Uncertain significance for PGM1-congenital disorder of glycosylation. Last evaluated: 2022-08-10. Review status: criteria provided, single submitter. Criteria: Invitae Variant Classification Sherloc (09022015). Collection method: clinical testing. Allele origin: germline.
Comment: This sequence change replaces glutamine, which is neutral and polar, with histidine, which is basic and polar, at codon 325 of the PGM1 protein (p.Gln325His). This variant is present in population databases (rs574355735, gnomAD 0.006%). This variant has not been reported in the literature in individuals affected with PGM1-related conditions. ClinVar contains an entry for this variant (Variation ID: 966912). Algorithms developed to predict the effect of missense changes on protein structure and function (SIFT, PolyPhen-2, Align-GVGD) all suggest that this variant is likely to be tolerated. In summary, the available evidence is currently insufficient to determine the role of this variant in disease. Therefore, it has been classified as a Variant of Uncertain Significance.